The following is an entry in ClinVar:

NM_005560.6(LAMA5):c.3603G>A (p.Glu1201=)

Gene: LAMA5 (laminin subunit alpha 5; minus strand). Cytogenetic location: 20q13.33.
Variant type: single nucleotide variant.
Coding change: c.3603G>A on transcript NM_005560.6 (MANE Select); coding-DNA position 3603, G replaced by A.
Protein change: p.Glu1201=; no amino-acid change (glutamic acid 1201 retained).
Molecular consequence: synonymous variant.
Genome position (GRCh38, 1-based): chr20:62,331,079, C>T on the plus strand (G>A on the coding strand, the complement: LAMA5 is on the minus strand). VCF-style: chr20-62331079-C-T. GRCh37 (hg19) VCF-style: chr20-60906135-C-T.
Identifiers: ClinVar variation 3353127 (VCV003353127.1).

ClinVar aggregate classification (germline): Likely benign (0 of 4 stars; one submission).

Conditions:
LAMA5-related disorder. Also called: LAMA5-related condition; LAMA5-Related Disorders.

gnomAD v4.1: 20 of 1,604,116 alleles (0.0012%); highest among the groups gnomAD compares: Non-Finnish European, 0.0016%; no homozygotes.

Submission:

PreventionGenetics, part of Exact Sciences
Classification: Likely benign for LAMA5-related condition. Last evaluated: 2024-04-04. Review status: no assertion criteria provided. Collection method: clinical testing. Allele origin: germline.
Comment: This variant is classified as likely benign based on ACMG/AMP sequence variant interpretation guidelines (Richards et al. 2015 PMID: 25741868, with internal and published modifications).